The following is an entry in ClinVar:

ClinVar aggregate classification (germline): Uncertain significance (1 of 4 stars; one submission).

gnomAD v4.1: 4 of 1,492,580 alleles (0.00027%); highest among the groups gnomAD compares: Non-Finnish European, 0.00037%; no homozygotes.

Submission:

Labcorp Genetics (formerly Invitae), Labcorp
Classification: Uncertain significance. Last evaluated: 2024-07-08. Review status: criteria provided, single submitter. Criteria: Invitae Variant Classification Sherloc (09022015). Collection method: clinical testing. Allele origin: germline.
Comment: This sequence change replaces serine, which is neutral and polar, with isoleucine, which is neutral and non-polar, at codon 395 of the EYS protein (p.Ser395Ile). This variant also falls at the last nucleotide of exon 7, which is part of the consensus splice site for this exon. This variant is not present in population databases (gnomAD no frequency). This variant has not been reported in the literature in individuals affected with EYS-related conditions. Algorithms developed to predict the effect of missense changes on protein structure and function output the following: SIFT: "Not Available"; PolyPhen-2: "Benign"; Align-GVGD: "Not Available". The isoleucine amino acid residue is found in multiple mammalian species, which suggests that this missense change does not adversely affect protein function. Variants that disrupt the consensus splice site are a relatively common cause of aberrant splicing (PMID: 17576681, 9536098). Algorithms developed to predict the effect of sequence changes on RNA splicing suggest that this variant may disrupt the consensus splice site. In summary, the available evidence is currently insufficient to determine the role of this variant in disease. Therefore, it has been classified as a Variant of Uncertain Significance.

Literature cited by the submitters: PubMed 17576681; PubMed 9536098.

NM_001142800.2(EYS):c.1184G>T (p.Ser395Ile)

Gene: EYS (EGF-like photoreceptor maintenance factor; minus strand). Cytogenetic location: 6q12.
Variant type: single nucleotide variant.
Coding change: c.1184G>T on transcript NM_001142800.2 (MANE Select); coding-DNA position 1184, G replaced by T.
Protein change: p.Ser395Ile; replaces serine 395 with isoleucine.
Molecular consequence: missense variant.
Genome position (GRCh38, 1-based): chr6:65,402,478, C>A on the plus strand (G>T on the coding strand, the complement: EYS is on the minus strand). VCF-style: chr6-65402478-C-A. GRCh37 (hg19) VCF-style: chr6-66112371-C-A.
Other names: c.1184G>T, p.Ser395Ile (NM_001142801.2, NM_001292009.2, NM_198283.2); short protein forms S395I.
Identifiers: ClinVar variation 3647202 (VCV003647202.2).
Genomic context (GRCh38, chr6:65,402,478, plus strand): 5'-TTCACATGATTTAAAAATCCATGTACTTTGTATTAAAAATAAACAGAAAATTAATTATAC[C>A]TGCAAGGATAATCTTTCTCACATTTCTTACATGTAGCATTATTCCTCAAAGGAAATGACT-3'
Protein context (NP_001136272.1, residues 385-405): CKKCEKDYPC[Ser395Ile]CISGFTEKNC